The following is an entry in ClinVar:

ClinVar aggregate classification (germline): Uncertain significance. Review status: criteria provided, multiple submitters, no conflicts (2 of 4 stars). 4 submissions from 4 submitters: Uncertain significance (3). 1 of the submissions does not count toward it. Last evaluated 2021-07-15.

Conditions:
Glycogen storage disease type III (GSD3). Also called: Cori disease; FORBES DISEASE. Identifiers: Orphanet 366, MedGen C0017922, MONDO:0009291, OMIM 232400.

Allele frequency attached by ClinVar (database versions not stated): gnomAD exomes below 0.00001.
gnomAD v4.1: 3 of 1,613,894 alleles (0.00019%); highest among the groups gnomAD compares: Non-Finnish European, 0.00017%; no homozygotes.

Submissions (4):

Genome-Nilou Lab
Classification: Uncertain significance for Glycogen storage disease type III. Last evaluated: 2021-07-15. Review status: criteria provided, single submitter. Criteria: ACMG Guidelines, 2015. Collection method: clinical testing. Allele origin: germline. Affected: no.

Fulgent Genetics
Classification: Uncertain significance for Glycogen storage disease type III. Last evaluated: 2018-10-31. Review status: criteria provided, single submitter. Criteria: ACMG Guidelines, 2015. Collection method: clinical testing. Allele origin: unknown.

Labcorp Genetics (formerly Invitae), Labcorp
Classification: Uncertain significance for Glycogen storage disease type III. Last evaluated: 2018-02-07. Review status: criteria provided, single submitter. Criteria: Invitae Variant Classification Sherloc (09022015). Collection method: clinical testing. Allele origin: germline.
Comment: In summary, the available evidence is currently insufficient to determine the role of this variant in disease. Therefore, it has been classified as a Variant of Uncertain Significance. Algorithms developed to predict the effect of missense changes on protein structure and function output the following: SIFT: "Tolerated"; PolyPhen-2: "Benign"; Align-GVGD: "Class C0". The glutamine amino acid residue is found in multiple mammalian species, suggesting that this missense change does not adversely affect protein function. These predictions have not been confirmed by published functional studies and their clinical significance is uncertain. This variant has not been reported in the literature in individuals with AGL-related disease. This variant is not present in population databases (ExAC no frequency). This sequence change replaces histidine with glutamine at codon 279 of the AGL protein (p.His279Gln). The histidine residue is moderately conserved and there is a small physicochemical difference between histidine and glutamine.

Natera, Inc.
Classification: Uncertain significance for Glycogen storage disease type III. Last evaluated: 2020-01-12. Review status: no assertion criteria provided. Collection method: clinical testing. Allele origin: germline. Not counted in ClinVar's aggregate classification.

NM_000642.3(AGL):c.837C>A (p.His279Gln)

Gene: AGL (amylo-alpha-1,6-glucosidase and 4-alpha-glucanotransferase; plus strand). Cytogenetic location: 1p21.2.
Variant type: single nucleotide variant.
Coding change: c.837C>A on transcript NM_000642.3 (MANE Select); coding-DNA position 837, C replaced by A.
Protein change: p.His279Gln; replaces histidine 279 with glutamine.
Molecular consequence: missense variant.
Genome position (GRCh38, 1-based): chr1:99,870,572, C>A. VCF-style: chr1-99870572-C-A. GRCh37 (hg19) VCF-style: chr1-100336128-C-A.
Other names: c.837C>A, p.His279Gln (NM_000028.3, NM_000643.3, NM_000644.3 and 3 more transcripts); c.789C>A, p.His263Gln (NM_000646.3); c.633C>A, p.His211Gln (NM_001425328.1, NM_001425329.1); c.459C>A, p.His153Gln (NM_001425332.1); short protein forms H279Q, H263Q, H153Q, H211Q.
Identifiers: ClinVar variation 580874 (VCV000580874.13), dbSNP rs1242665410, ClinGen allele CA341340406.